The following is an entry in ClinVar:

NM_000020.3(ACVRL1):c.1324G>A (p.Val442Met)

Gene: ACVRL1 (activin A receptor like type 1; plus strand). Cytogenetic location: 12q13.13.
Variant type: single nucleotide variant.
Coding change: c.1324G>A on transcript NM_000020.3 (MANE Select); coding-DNA position 1324, G replaced by A.
Protein change: p.Val442Met; replaces valine 442 with methionine.
Molecular consequence: missense variant.
Genome position (GRCh38, 1-based): chr12:51,919,062, G>A. VCF-style: chr12-51919062-G-A. GRCh37 (hg19) VCF-style: chr12-52312846-G-A.
Other names: c.1324G>A, p.Val442Met (NM_001077401.2); short protein forms V442M.
Identifiers: ClinVar variation 426030 (VCV000426030.13), dbSNP rs1085307421, ClinGen allele CA384904129.

ClinVar aggregate classification (germline): Conflicting classifications of pathogenicity. Review status: criteria provided, conflicting classifications (1 of 4 stars). 3 submissions from 3 submitters: Pathogenic (1); Uncertain significance (1). 1 of the submissions does not count toward it. Last evaluated 2025-11-09.

Conditions:
Pulmonary arterial hypertension related to hereditary hemorrhagic telangiectasia. Also called: PULMONARY ARTERIAL HYPERTENSION, HEREDITARY HEMORRHAGIC TELANGIECTASIA-RELATED. Identifiers: MedGen C1832529.
Telangiectasia, hereditary hemorrhagic, type 2 (HHT2). Also called: ACVRL1-Related Hereditary Hemorrhagic Telangiectasia; Telangiectasia, hereditary hemorrhagic, type II. Identifiers: Orphanet 774, MedGen C1838163, MONDO:0010880, OMIM 600376. Disease mechanism: loss of function.

Submissions (3):

Labcorp Genetics (formerly Invitae), Labcorp
Classification: Pathogenic for Telangiectasia, hereditary hemorrhagic, type 2. Last evaluated: 2025-11-09. Review status: criteria provided, single submitter. Criteria: Invitae Variant Classification Sherloc (09022015). Collection method: clinical testing. Allele origin: germline.
Comment: This sequence change replaces valine, which is neutral and non-polar, with methionine, which is neutral and non-polar, at codon 442 of the ACVRL1 protein (p.Val442Met). This variant is not present in population databases (gnomAD no frequency). This missense change has been observed in individual(s) with hereditary hemorrhagic telangiectasia and/or pulmonary hypertension (PMID: 20056902; internal data). It has also been observed to segregate with disease in related individuals. ClinVar contains an entry for this variant (Variation ID: 426030). Invitae Evidence Modeling of protein sequence and biophysical properties (such as structural, functional, and spatial information, amino acid conservation, physicochemical variation, residue mobility, and thermodynamic stability) indicates that this missense variant is expected to disrupt ACVRL1 protein function with a positive predictive value of 95%. This variant disrupts the p.Val442 amino acid residue in ACVRL1. Other variant(s) that disrupt this residue have been observed in individuals with ACVRL1-related conditions (PMID: 18498373), which suggests that this may be a clinically significant amino acid residue. For these reasons, this variant has been classified as Pathogenic.

GeneDx
Classification: Uncertain significance. Last evaluated: 2019-11-14. Review status: criteria provided, single submitter. Criteria: GeneDx Variant Classification Process June 2021. Collection method: clinical testing. Allele origin: germline. Affected: yes.
Comment: Not observed in large population cohorts (Lek et al., 2016); In silico analysis, which includes protein predictors and evolutionary conservation, supports a deleterious effect; This variant is associated with the following publications: (PMID: 20056902)

Rare Disease Genomics Group, St George's University of London
Classification: Pathogenic for Pulmonary arterial hypertension related to hereditary hemorrhagic telangiectasia. Review status: no assertion criteria provided. Collection method: literature only. Allele origin: germline. Affected: yes. Not counted in ClinVar's aggregate classification.

Literature cited by the submitters: PubMed 20056902 (cited by Labcorp Genetics (formerly Invitae), Labcorp and Rare Disease Genomics Group, St George's University of London); PubMed 18498373 (cited by Labcorp Genetics (formerly Invitae), Labcorp).